The following is an entry in ClinVar:

NM_020937.4(FANCM):c.5569G>A (p.Val1857Met)

Gene: FANCM (FA complementation group M; plus strand). Cytogenetic location: 14q21.2.
Variant type: single nucleotide variant.
Coding change: c.5569G>A on transcript NM_020937.4 (MANE Select); coding-DNA position 5569, G replaced by A.
Protein change: p.Val1857Met; replaces valine 1857 with methionine.
Molecular consequence: missense variant.
Genome position (GRCh38, 1-based): chr14:45,196,400, G>A. VCF-style: chr14-45196400-G-A. GRCh37 (hg19) VCF-style: chr14-45665603-G-A.
Other names: c.5569G>A (LRG_502t1, NM_020937.3); c.5491G>A, p.Val1831Met (NM_001308133.2); short protein forms V1857M, V1831M.
Identifiers: ClinVar variation 408221 (VCV000408221.28), dbSNP rs144008013, ClinGen allele CA7170021.
Genomic context (GRCh38, chr14:45,196,400, plus strand): 5'-CTAAGAGCAATTCATGGGTTGCAAGTAGAAGTTTGTCCTCTTAATGGCTGTGATTACATC[G>A]TGAGTAATCGCATGGTGGTGGAAAGGAGGTCTCAATCTGAGATGTTAAATAGTGTCAATA-3'
Protein context (NP_065988.1, residues 1847-1867): VCPLNGCDYI[Val1857Met]SNRMVVERRS

ClinVar aggregate classification (germline): Uncertain significance. Review status: criteria provided, multiple submitters, no conflicts (2 of 4 stars). 9 submissions from 9 submitters: Uncertain significance (9). Last evaluated 2026-10-01.

Conditions:
Fanconi anemia (FA). Also called: Fanconi's anemia. Identifiers: Orphanet 84, MedGen C0015625, MeSH D005199, MONDO:0019391.
Fanconi anemia, complementation group M. Identifiers: MedGen C3469529.
Spermatogenic failure 28. Identifiers: MedGen C4748117, MONDO:0054732, OMIM 618086.
Premature ovarian failure 15. Identifiers: MedGen C4748170, MONDO:0054862, OMIM 618096.
FANCM-related disorder. Also called: FANCM-related condition.
Hereditary cancer-predisposing syndrome. Also called: Hereditary neoplastic syndrome; Neoplastic Syndromes, Hereditary; Hereditary Cancer Syndrome; Tumor predisposition. Identifiers: Orphanet 140162, MedGen C0027672, MeSH D009386, MONDO:0015356.

Allele frequency attached by ClinVar (database versions not stated): ESP Exome Variant Server 0.00015; TOPMed 0.00037; ExAC 0.00038; gnomAD exomes 0.00043; gnomAD 0.00049 and 0.00050; 1000 Genomes Project 30x 0.00078; 1000 Genomes Project 0.00080.
gnomAD v4.1: 1,157 of 1,614,018 alleles (0.072%); highest among the groups gnomAD compares: Non-Finnish European, 0.086%; 3 homozygotes.

Submissions (9):

St. Jude Molecular Pathology, St. Jude Children's Research Hospital
Classification: Uncertain significance for Fanconi anemia. Last evaluated: 2026-10-01. Review status: criteria provided, single submitter. Criteria: St. Jude Assertion Criteria 2020. Collection method: clinical testing. Allele origin: germline.
Comment: The FANCM c.5569G>A p.(Val1857Met) missense change has a maximum subpopulation frequency of 0.07% in gnomAD v2.1.1, including 1 homo zygote. The in silico tool REVEL is inconclusive about a pathogenic or benign effect of this variant on protein function, and to our knowledge functional studies have not been performed. To our knowledge, this variant has not been reported in the literature in individuals with Fanconi anemia. In summary, the evidence currently available is insufficient to determine the clinical significance of this variant. It has therefore been classified as of uncertain significance.

PreventionGenetics, part of Exact Sciences
Classification: Uncertain significance for FANCM-related condition. Last evaluated: 2026-03-26. Review status: criteria provided, single submitter. Criteria: ACMG Guidelines, 2015. Collection method: clinical testing. Allele origin: germline.
Comment: The FANCM c.5569G>A variant is predicted to result in the amino acid substitution p.Val1857Met. This variant was reported in the heterozygous state in one individual with breast cancer, however it was not classified as a high-risk breast cancer risk allele (García et al. 2009. PubMed ID: 19737859). It is unclear whether this variant may be a primary cause of Fanconi anemia, however it is reported in 0.068% of alleles in individuals of European (Non-Finnish) descent, including one homozygous individual, in gnomAD which may be too high to be causative. This variant is interpreted as variant of uncertain significance in the ClinVar database (Variation ID: 408221). At this time, the clinical significance of this variant is uncertain due to the absence of conclusive functional and genetic evidence.

Quest Diagnostics Nichols Institute San Juan Capistrano
Classification: Uncertain significance. Last evaluated: 2025-09-12. Review status: criteria provided, single submitter. Criteria: Quest Diagnostics criteria. Collection method: clinical testing. Allele origin: unknown.
Comment: The FANCM c.5569G>A (p.Val1857Met) variant has been reported in individuals with a personal and/or family history of breast cancer (PMIDs: 19737859 (2009), 33471991 (2021), 35802266 (2023), 37656691 (2023), 36707629 (2023), see also LOVD), ovarian cancer (PMID: 28881617 (2017)), and cervical cancer and papillary urothelial carcinoma (PMID: 34628056 (2021)). Additionally, this variant has been reported in reportedly unaffected individuals (PMIDs: 19737859 (2009), 28881617 (2017), 33471991 (2021), 36707629 (2023), see also LOVD). The frequency of this variant in the general population (Genome Aggregation Database) is higher than would generally be expected for pathogenic variants in this gene. Analysis of this variant using bioinformatics tools for the prediction of the effect of amino acid changes on protein structure and function yielded conflicting predictions that this variant is benign or damaging. Based on the available information, we are unable to determine the clinical significance of this variant.

Dasa
Classification: Uncertain significance. Last evaluated: 2025-05-21. Review status: criteria provided, single submitter. Criteria: DASA Assertion Criteria. Collection method: clinical testing. Allele origin: germline.
Comment: NM_020937.4(FANCM):c.5569G>A (p.Val1857Met) is a missense variant that results in the substitution of valine with methionine. Published studies describe this variant in association with related phenotype (PMID: 31991861). Also, this variant is rare in population databases. Computational prediction algorithms are consistent with a benign effect. The currently available literature and clinical evidence are not sufficient to establish a definitive association between this variant and the reported condition. Therefore, this variant is classified as a variant of uncertain significance.

GeneDx
Classification: Uncertain significance. Last evaluated: 2025-03-11. Review status: criteria provided, single submitter. Criteria: GeneDx Variant Classification Process June 2021. Collection method: clinical testing. Allele origin: germline. Affected: yes.
Comment: Observed in individuals with a personal and/or family history of breast cancer but also in unaffected controls (PMID: 19737859, 33471991, 35802266, 37656691, 34326862); Observed in an individual with cervical cancer and papillary urothelial carcinoma who also had a germline pathogenic variant identified in VHL (PMID: 34628056); In silico analysis indicates that this missense variant does not alter protein structure/function; This variant is associated with the following publications: (PMID: 33471991, 26596371, 35802266, 19737859, 34628056, 37656691, 34326862)

Labcorp Genetics (formerly Invitae), Labcorp
Classification: Uncertain significance for Fanconi anemia. Last evaluated: 2022-10-28. Review status: criteria provided, single submitter. Criteria: Invitae Variant Classification Sherloc (09022015). Collection method: clinical testing. Allele origin: germline.
Comment: This sequence change replaces valine, which is neutral and non-polar, with methionine, which is neutral and non-polar, at codon 1857 of the FANCM protein (p.Val1857Met). This variant is present in population databases (rs144008013, gnomAD 0.07%), and has an allele count higher than expected for a pathogenic variant. This missense change has been observed in individual(s) with breast cancer (PMID: 19737859). ClinVar contains an entry for this variant (Variation ID: 408221). Algorithms developed to predict the effect of missense changes on protein structure and function are either unavailable or do not agree on the potential impact of this missense change (SIFT: "Deleterious"; PolyPhen-2: "Probably Damaging"; Align-GVGD: "Class C0"). In summary, the available evidence is currently insufficient to determine the role of this variant in disease. Therefore, it has been classified as a Variant of Uncertain Significance.

Institute for Clinical Genetics, University Hospital TU Dresden, University Hospital TU Dresden
Classification: Uncertain significance. Last evaluated: 2021-11-03. Review status: criteria provided, single submitter. Criteria: ACMG Guidelines, 2015. Collection method: clinical testing. Allele origin: germline.

Sema4
Classification: Uncertain significance for Hereditary cancer-predisposing syndrome. Last evaluated: 2021-10-19. Review status: criteria provided, single submitter. Criteria: Sema4 Curation Guidelines. Collection method: curation. Allele origin: germline.
Comment: The FANCM c.5569G>A (p.V1857M) variant has been reported in heterozygosity in at least one individual with breast cancer (PMID: 19737859). It was also reported in a large breast cancer case-control analysis in 75/60,466 cases and in 57/53,461 controls (PMID: 33471991). It was observed in 88/129164 chromosomes of the Non-Finnish European subpopulation, with one homozygote, in the Genome Aggregation Database (PMID: 32461654). The variant has been reported in ClinVar (Variation ID 408221). Functional studies have not been performed, and in silico predictions of the variant's effect on protein function are inconclusive. The evidence is insufficient to meet ACMG/AMP criteria for classifying the variant as benign or pathogenic. Thus, the clinical significance of this variant is currently uncertain.

Fulgent Genetics
Classification: Uncertain significance for Spermatogenic failure 28; Premature ovarian failure 15. Last evaluated: 2018-10-31. Review status: criteria provided, single submitter. Criteria: ACMG Guidelines, 2015. Collection method: clinical testing. Allele origin: unknown.

Literature cited by the submitters: PubMed 34326862 (cited by Quest Diagnostics Nichols Institute San Juan Capistrano); PubMed 35802266 (cited by Quest Diagnostics Nichols Institute San Juan Capistrano); PubMed 34628056 (cited by Quest Diagnostics Nichols Institute San Juan Capistrano); PubMed 37656691 (cited by Quest Diagnostics Nichols Institute San Juan Capistrano); PubMed 33471991 (cited by Quest Diagnostics Nichols Institute San Juan Capistrano and Sema4); PubMed 19737859 (cited by 3 submitters); PubMed 36707629 (cited by Quest Diagnostics Nichols Institute San Juan Capistrano); PubMed 32235514 (cited by Quest Diagnostics Nichols Institute San Juan Capistrano); PubMed 28881617 (cited by Quest Diagnostics Nichols Institute San Juan Capistrano); PubMed 31991861 (cited by Dasa).